The following is an entry in ClinVar:

NM_001039141.3(TRIOBP):c.1783C>T (p.Arg595Ter)

Gene: TRIOBP (TRIO and F-actin binding protein; plus strand). Cytogenetic location: 22q13.1.
Variant type: single nucleotide variant.
Coding change: c.1783C>T on transcript NM_001039141.3 (MANE Select); coding-DNA position 1783, C replaced by T.
Protein change: p.Arg595Ter; replaces arginine 595 with a stop codon.
Molecular consequence: nonsense.
Genome position (GRCh38, 1-based): chr22:37,724,339, C>T. VCF-style: chr22-37724339-C-T. GRCh37 (hg19) VCF-style: chr22-38120346-C-T.
Other names: short protein forms R595*.
Identifiers: ClinVar variation 2445671 (VCV002445671.4), dbSNP rs371412957, ClinGen allele CA10223685.

ClinVar aggregate classification (germline): Pathogenic. Review status: criteria provided, multiple submitters, no conflicts (2 of 4 stars). 3 submissions from 3 submitters: Pathogenic (3). Last evaluated 2025-01-13.

Conditions:
Autosomal recessive nonsyndromic hearing loss 28. Identifiers: Orphanet 90636, MedGen C1853276, MONDO:0012355, OMIM 609823.

Allele frequency attached by ClinVar (database versions not stated): ExAC 0.00004; ESP Exome Variant Server 0.00008.

Submissions (3):

First Genomix Gene Laboratory, Genetic Diagnostics Department
Classification: Pathogenic for Autosomal recessive nonsyndromic hearing loss 28. Last evaluated: 2025-01-13. Review status: criteria provided, single submitter. Criteria: ACMG Guidelines, 2015. Collection method: clinical testing. Allele origin: germline. Inheritance: Autosomal recessive inheritance. Affected: no. Observed: 1 variant allele.

Labcorp Genetics (formerly Invitae), Labcorp
Classification: Pathogenic. Last evaluated: 2024-08-01. Review status: criteria provided, single submitter. Criteria: Invitae Variant Classification Sherloc (09022015). Collection method: clinical testing. Allele origin: germline.
Comment: This sequence change creates a premature translational stop signal (p.Arg595*) in the TRIOBP gene. It is expected to result in an absent or disrupted protein product. Loss-of-function variants in TRIOBP are known to be pathogenic (PMID: 16385457, 16385458, 20510926). This variant is not present in population databases (gnomAD no frequency). This premature translational stop signal has been observed in individual(s) with deafness (PMID: 35982127, 36515421). ClinVar contains an entry for this variant (Variation ID: 2445671). For these reasons, this variant has been classified as Pathogenic.

King Laboratory, University of Washington
Classification: Pathogenic for Autosomal recessive nonsyndromic hearing loss 28. Last evaluated: 2023-02-28. Review status: criteria provided, single submitter. Criteria: Li et al. (Genet Med. 2022). Collection method: research. Allele origin: unknown. Affected: yes.
Comment: This variant occurred in compound heterozygosity with a TRIOBP nonsense variant in a patient with bilateral sensorineural hearing loss of onset <18 years, in a study of pediatric hearing loss conducted by the King Laboratory (Carlson RJ et al. JAMA-OtoHNS 2023). These two variants were confirmed to be in trans orientation by parental sequencing. This variant is a nonsense variant that creates an early stop at position 595 of the otherwise 2365 amino acid TRIOBP protein. As of January 2023, this variant has been reported to ClinVar as likely pathogenic and is not found on gnomAD. Based on the prediction that this variant leads to a truncated protein, compound heterozygosity with a loss-of-function variant, and goodness of fit of genotype to phenotype, we conclude that this variant is pathogenic.

Literature cited by the submitters: PubMed 16385457 (cited by Labcorp Genetics (formerly Invitae), Labcorp); PubMed 16385458 (cited by Labcorp Genetics (formerly Invitae), Labcorp); PubMed 20510926 (cited by Labcorp Genetics (formerly Invitae), Labcorp); PubMed 35982127 (cited by Labcorp Genetics (formerly Invitae), Labcorp); PubMed 36515421 (cited by Labcorp Genetics (formerly Invitae), Labcorp); PubMed 36633841 (cited by King Laboratory, University of Washington).